The following is an entry in ClinVar:

NM_212482.4(FN1):c.637T>C (p.Cys213Arg)

Gene: FN1 (fibronectin 1; minus strand). Cytogenetic location: 2q35.
Variant type: single nucleotide variant.
Coding change: c.637T>C on transcript NM_212482.4 (MANE Select); coding-DNA position 637, T replaced by C.
Protein change: p.Cys213Arg; replaces cysteine 213 with arginine.
Molecular consequence: missense variant.
Genome position (GRCh38, 1-based): chr2:215,430,763, A>G on the plus strand (T>C on the coding strand, the complement: FN1 is on the minus strand). VCF-style: chr2-215430763-A-G. GRCh37 (hg19) VCF-style: chr2-216295486-A-G.
Other names: c.637T>C, p.Cys213Arg (NM_001306129.2, NM_001306130.2, NM_001306131.2 and 14 more transcripts); short protein forms C213R.
Identifiers: ClinVar variation 3906951 (VCV003906951.1).
Genomic context (GRCh38, chr2:215,430,763, plus strand): 5'-TGTAAAACATACTTCTAGAAGTGCAAGTGATGCGTCCGCTGCCTTCTCCCAGGCAAGTAC[A>G]ATCTACCATCATCCAGCCTTGGTAGGGCTTCTCCCACGTTTCTCCGACCACATAGGAAGT-3'
Protein context (NP_997647.2, residues 203-223): KPYQGWMMVD[Cys213Arg]TCLGEGSGRI

ClinVar aggregate classification (germline): Likely pathogenic (1 of 4 stars; one submission).

Conditions:
Spondylometaphyseal dysplasia - Sutcliffe type. Also called: Sutcliffe type of spondylometaphyseal dysplasia; Sutcliffe SMD; Spondylometaphyseal Dysplasia, Corner Fracture Type; Spondylometaphyseal dysplasia, 'corner fracture' type. Identifiers: Orphanet 93315, MedGen C0432221, MONDO:0008479, OMIM 184255.

Submission:

Kasturba Medical College, Manipal, Kasturba Medical College, Manipal, Manipal Academy of Higher Education, Manipal, India
Classification: Likely pathogenic for Spondylometaphyseal dysplasia - Sutcliffe type. Review status: criteria provided, single submitter. Criteria: ACMG Guidelines, 2015. Collection method: research. Allele origin: de novo. Inheritance: Autosomal dominant inheritance. Affected: yes. Observed: 1 heterozygote.
Comment: The variant is absent in gnomAD (v4.1.0) and in our in-house database of 3596 exomes. In-silico analysis tools (CADD_phred, REVEL and AlphaMissense) predict the variant as disease-causing and likely to affect the FN1 function. Another nucleotide change at the same amino acid position, c.638G>A p.(Cys213Tyr) has been previously reported to cause spondylometaphyseal dysplasia, corner fracture type (ClinVar Accession: VCV000549707.7). The clinical features observed in the proband are in concordance with spondylometaphyseal dysplasia, corner fracture type.

Literature cited by the submitters: PubMed 30599297.